The following is an entry in ClinVar:

NM_002519.3(NPAT):c.3946T>C (p.Cys1316Arg)

Gene: NPAT (nuclear protein, coactivator of histone transcription; minus strand). Cytogenetic location: 11q22.3.
Variant type: single nucleotide variant.
Coding change: c.3946T>C on transcript NM_002519.3 (MANE Select); coding-DNA position 3946, T replaced by C.
Protein change: p.Cys1316Arg; replaces cysteine 1316 with arginine.
Molecular consequence: missense variant.
Genome position (GRCh38, 1-based): chr11:108,161,140, A>G on the plus strand (T>C on the coding strand, the complement: NPAT is on the minus strand). VCF-style: chr11-108161140-A-G. GRCh37 (hg19) VCF-style: chr11-108031867-A-G.
Other names: c.3967T>C, p.Cys1323Arg (NM_001321307.1); short protein forms C1316R, C1323R.
Identifiers: ClinVar variation 2447474 (VCV002447474.2), dbSNP rs1354326930, ClinGen allele CA382509704.
Genomic context (GRCh38, chr11:108,161,140, plus strand): 5'-TTAATGTGTGGGCAGCCATATTTACACTGTTTTCACTTCCTGTTTCACTGGCAGGGCTGC[A>G]GGCAGGCAAGTCTGGGGTGACAGGAGGGACCATTACTTTTGATGTACTACTGTCTTCACT-3'
Protein context (NP_002510.2, residues 1306-1326): VPPVTPDLPA[Cys1316Arg]SPASETGSEN

ClinVar aggregate classification (germline): Uncertain significance (1 of 4 stars; one submission).

Allele frequency attached by ClinVar (database versions not stated): gnomAD exomes below 0.00001.
gnomAD v4.1: 1 of 1,614,198 alleles (0.000062%); highest among the groups gnomAD compares: Non-Finnish European, 0.000085%; no homozygotes.

Submission:

Ambry Genetics
Classification: Uncertain significance. Last evaluated: 2023-03-02. Review status: criteria provided, single submitter. Criteria: Ambry Variant Classification Scheme 2023. Collection method: clinical testing. Allele origin: germline.
Comment: The p.C1316R variant (also known as c.3946T>C), located in coding exon 17 of the NPAT gene, results from a T to C substitution at nucleotide position 3946. The cysteine at codon 1316 is replaced by arginine, an amino acid with highly dissimilar properties. This amino acid position is conserved. In addition, the in silico prediction for this alteration is inconclusive. Since supporting evidence is limited at this time, the clinical significance of this alteration remains unclear.